The following is an entry in ClinVar:

NM_000545.8(HNF1A):c.770A>C (p.Asn257Thr)

Gene: HNF1A (HNF1 homeobox A; plus strand). Cytogenetic location: 12q24.31.
Variant type: single nucleotide variant.
Coding change: c.770A>C on transcript NM_000545.8 (MANE Select); coding-DNA position 770, A replaced by C.
Protein change: p.Asn257Thr; replaces asparagine 257 with threonine.
Molecular consequence: missense variant.
Genome position (GRCh38, 1-based): chr12:120,994,220, A>C. VCF-style: chr12-120994220-A-C. GRCh37 (hg19) VCF-style: chr12-121432023-A-C.
Other names: NM_001306179.2:c.770A>C; c.770A>C, p.Asn257Thr (NM_001306179.2, NM_001406915.1); short protein forms N257T.
Identifiers: ClinVar variation 3383934 (VCV003383934.1).

ClinVar aggregate classification (germline): Likely pathogenic (3 of 4 stars; one submission).

Conditions:
Monogenic diabetes. Identifiers: Orphanet 183625, MedGen C3888631, MONDO:0015967.

Submission:

ClinGen Monogenic Diabetes Variant Curation Expert Panel
Classification: Likely pathogenic for Monogenic diabetes. Last evaluated: 2024-11-07. Review status: reviewed by expert panel. Criteria: ClinGen Diabetes ACMG Specifications HNF1A V2.1.0. Collection method: curation. Allele origin: germline. Inheritance: Autosomal dominant inheritance.
Comment: The c.770A>C variant in the HNF1 homeobox A gene, HNF1A, causes an amino acid change of asparagine to threonine at codon 257 (p.(Asn257Thr)) of NM_000545.8. This variant is located within a conserved region of the DNA binding domain (codons 107-174 and 201-280) of HNF1A, which is defined as critical for the protein’s function by the ClinGen MDEP (PM1_Supporting). This variant is absent from gnomAD v2.1.1 (PM2_Supporting). Additionally, this variant is predicted to be deleterious by computational evidence, with a REVEL score of 0.879, which is greater than the MDEP VCEP threshold of 0.70 (PP3). This variant was identified in two unrelated individuals with non-autoimmune and non-absolute/near-absolute insulin-deficient diabetes; however, PS4_Moderate cannot be applied because this number is below the ClinGen MDEP threshold and there is not enough clinical information provided to use the MODY probability calculator, so PP4 does not apply either (PMIDs: 16249556, 18838325). However, in one of the families, this variant did segregate with diabetes with five informative meioses (PP1_Strong; PMID: 18838325). In summary, c.770A>C meets the criteria to be classified as likely pathogenic for monogenic diabetes. ACMG/AMP criteria applied, as specified by the ClinGen MDEP (specification version 2.1.0, approved 8/11/2023): PM1_Supporting, PM2_Supporting, PP3, PP1_Strong.